The following is an entry in ClinVar:

NM_198428.3(BBS9):c.703-1G>C

Gene: BBS9 (Bardet-Biedl syndrome 9; plus strand). Cytogenetic location: 7p14.3.
Variant type: single nucleotide variant.
Coding change: c.703-1G>C on transcript NM_198428.3 (MANE Select); the canonical splice acceptor site of the intron before coding-DNA position 703, G replaced by C.
Molecular consequence: splice acceptor variant.
Genome position (GRCh38, 1-based): chr7:33,273,011, G>C. VCF-style: chr7-33273011-G-C. GRCh37 (hg19) VCF-style: chr7-33312623-G-C.
Other names: c.337-1G>C (NM_001348046.3, NM_001348044.3, NM_001348037.3 and 1 more transcripts); c.703-1G>C (NM_001348036.1, NM_001362679.1, NM_001348041.4 and 5 more transcripts); c.430-1G>C (NM_001348038.3, NM_001348039.3); c.568-1G>C (NM_001348042.3).
Identifiers: ClinVar variation 2627212 (VCV002627212.1), dbSNP rs1800087042, ClinGen allele CA367253864.

ClinVar aggregate classification (germline): Likely pathogenic (1 of 4 stars; one submission).

Conditions:
Bardet-Biedl syndrome (BBS). Identifiers: Orphanet 110, MedGen C0752166, MONDO:0015229.

Submission:

Women's Health and Genetics/Laboratory Corporation of America, LabCorp
Classification: Likely pathogenic for Bardet-Biedl syndrome. Last evaluated: 2023-09-12. Review status: criteria provided, single submitter. Criteria: LabCorp Variant Classification Summary - May 2015. Collection method: clinical testing. Allele origin: germline.
Comment: Variant summary: BBS9 c.703-1G>C is located in a canonical splice-site and is predicted to affect mRNA splicing resulting in a significantly altered protein due to either exon skipping, shortening, or inclusion of intronic material. Several computational tools predict a significant impact on normal splicing: four predict the variant abolishes a 3' acceptor site, and one predicts the variant strengthens a cryptic 5' donor site. However, these predictions have yet to be confirmed by functional studies. The variant was absent in 251212 control chromosomes (gnomAD). To our knowledge, no occurrence of c.703-1G>C in individuals affected with Bardet-Biedl Syndrome and no experimental evidence demonstrating its impact on protein function have been reported. No submitters have reported clinical-significance assessments for this variant to ClinVar after 2014. Based on the evidence outlined above, the variant was classified as likely pathogenic.